The following is an entry in ClinVar:

ClinVar aggregate classification (germline): Uncertain significance (1 of 4 stars; one submission).

Allele frequency attached by ClinVar (database versions not stated): gnomAD 0.00005; gnomAD exomes 0.00005 and 0.00007; ExAC 0.00006; TOPMed 0.00007.
gnomAD v4.1: 79 of 1,613,554 alleles (0.0049%); highest among the groups gnomAD compares: East Asian, 0.018%; no homozygotes.

Submission:

Labcorp Genetics (formerly Invitae), Labcorp
Classification: Uncertain significance. Last evaluated: 2025-12-02. Review status: criteria provided, single submitter. Criteria: Invitae Variant Classification Sherloc (09022015). Collection method: clinical testing. Allele origin: germline.
Comment: This sequence change replaces arginine, which is basic and polar, with histidine, which is basic and polar, at codon 276 of the MMP14 protein (p.Arg276His). This variant is present in population databases (rs746743029, gnomAD 0.05%). This variant has not been reported in the literature in individuals affected with MMP14-related conditions. ClinVar contains an entry for this variant (Variation ID: 1389635). Invitae Evidence Modeling of protein sequence and biophysical properties (such as structural, functional, and spatial information, amino acid conservation, physicochemical variation, residue mobility, and thermodynamic stability) indicates that this missense variant is expected to disrupt MMP14 protein function with a positive predictive value of 80%. In summary, the available evidence is currently insufficient to determine the role of this variant in disease. Therefore, it has been classified as a Variant of Uncertain Significance.

NM_004995.4(MMP14):c.827G>A (p.Arg276His)

Gene: MMP14 (matrix metallopeptidase 14; plus strand). Cytogenetic location: 14q11.2.
Variant type: single nucleotide variant.
Coding change: c.827G>A on transcript NM_004995.4 (MANE Select); coding-DNA position 827, G replaced by A.
Protein change: p.Arg276His; replaces arginine 276 with histidine.
Molecular consequence: missense variant.
Genome position (GRCh38, 1-based): chr14:22,843,395, G>A. VCF-style: chr14-22843395-G-A. GRCh37 (hg19) VCF-style: chr14-23312604-G-A.
Other names: short protein forms R276H.
Identifiers: ClinVar variation 1389635 (VCV001389635.8), dbSNP rs746743029, ClinGen allele CA7105255.